The following is an entry in ClinVar:

ClinVar aggregate classification (germline): Uncertain significance. Review status: criteria provided, multiple submitters, no conflicts (2 of 4 stars). 2 submissions from 2 submitters: Uncertain significance (2). Last evaluated 2025-05-26.

Allele frequency attached by ClinVar (database versions not stated): gnomAD 0.00013 and 0.00014; TOPMed 0.00013; 1000 Genomes Project 30x 0.00016; 1000 Genomes Project 0.00020; ESP Exome Variant Server 0.00023; gnomAD exomes 0.00002 and 0.00005; ExAC 0.00005.
gnomAD v4.1: 51 of 1,612,776 alleles (0.0032%); highest among the groups gnomAD compares: African/African-American, 0.064%; no homozygotes.

Submissions (2):

Ambry Genetics
Classification: Uncertain significance. Last evaluated: 2025-05-26. Review status: criteria provided, single submitter. Criteria: Ambry Variant Classification Scheme 2023. Collection method: clinical testing. Allele origin: germline.

Labcorp Genetics (formerly Invitae), Labcorp
Classification: Uncertain significance. Last evaluated: 2021-08-05. Review status: criteria provided, single submitter. Criteria: Invitae Variant Classification Sherloc (09022015). Collection method: clinical testing. Allele origin: germline.
Comment: Algorithms developed to predict the effect of missense changes on protein structure and function are either unavailable or do not agree on the potential impact of this missense change (SIFT: "Tolerated"; PolyPhen-2: "Possibly Damaging"; Align-GVGD: "Class C15"). This sequence change replaces tyrosine with cysteine at codon 317 of the NFS1 protein (p.Tyr317Cys). The tyrosine residue is highly conserved and there is a large physicochemical difference between tyrosine and cysteine. This variant is present in population databases (rs141684225, ExAC 0.06%). This variant has not been reported in the literature in individuals affected with NFS1-related conditions. In summary, the available evidence is currently insufficient to determine the role of this variant in disease. Therefore, it has been classified as a Variant of Uncertain Significance.

NM_021100.5(NFS1):c.950A>G (p.Tyr317Cys)

Gene: NFS1 (NFS1 cysteine desulfurase; minus strand). Cytogenetic location: 20q11.22.
Variant type: single nucleotide variant.
Coding change: c.950A>G on transcript NM_021100.5 (MANE Select); coding-DNA position 950, A replaced by G.
Protein change: p.Tyr317Cys; replaces tyrosine 317 with cysteine.
Molecular consequence: missense variant. On other transcripts: non-coding transcript variant (1).
Genome position (GRCh38, 1-based): chr20:35,674,616, T>C on the plus strand (A>G on the coding strand, the complement: NFS1 is on the minus strand). VCF-style: chr20-35674616-T-C. GRCh37 (hg19) VCF-style: chr20-34262538-T-C.
Other names: c.797A>G, p.Tyr266Cys (NM_001198989.2); c.950A>G (NM_021100.4); short protein forms Y266C, Y317C.
Identifiers: ClinVar variation 1398782 (VCV001398782.9), dbSNP rs141684225, ClinGen allele CA9837093.